The following is an entry in ClinVar:

NM_000277.3(PAH):c.982A>G (p.Thr328Ala)

Gene: PAH (phenylalanine hydroxylase; minus strand). Cytogenetic location: 12q23.2.
Variant type: single nucleotide variant.
Coding change: c.982A>G on transcript NM_000277.3 (MANE Select); coding-DNA position 982, A replaced by G.
Protein change: p.Thr328Ala; replaces threonine 328 with alanine.
Molecular consequence: missense variant.
Genome position (GRCh38, 1-based): chr12:102,844,419, T>C on the plus strand (A>G on the coding strand, the complement: PAH is on the minus strand). VCF-style: chr12-102844419-T-C. GRCh37 (hg19) VCF-style: chr12-103238197-T-C.
Other names: NM_000277.1(PAH):c.982A>G; p.Thr328Ala; c.982A>G, p.Thr328Ala (NM_001354304.2); c.982A>G (NM_000277.2); short protein forms T328A.
Identifiers: ClinVar variation 102923 (VCV000102923.12), dbSNP rs199475616, ClinGen allele CA229891.

ClinVar aggregate classification (germline): Likely pathogenic. Review status: reviewed by expert panel (3 of 4 stars). 6 submissions from 6 submitters: Likely pathogenic (1). 5 of the submissions do not count toward it. Last evaluated 2020-09-25.

Conditions:
Phenylketonuria (PKU). Also called: Phenylketonuria (PKU); FOLLING DISEASE; OLIGOPHRENIA PHENYLPYRUVICA; Phenylketonurias. Identifiers: Orphanet 716, MedGen C0031485, MONDO:0009861, OMIM 261600. Disease mechanism: loss of function.

Allele frequency attached by ClinVar (database versions not stated): gnomAD exomes 0.00001 and below 0.00001; ExAC 0.00003.
gnomAD v4.1: 2 of 1,611,834 alleles (0.00012%); highest among the groups gnomAD compares: Non-Finnish European, 0.00017%; no homozygotes.

Submissions (6):

ClinGen PAH Variant Curation Expert Panel
Classification: Likely pathogenic for Phenylketonuria. Last evaluated: 2020-09-25. Review status: reviewed by expert panel. Criteria: ClinGen PAH ACMG Specifications v1. Collection method: curation. Allele origin: germline. Inheritance: Autosomal recessive inheritance.
Comment: The c.982A>G (p.Thr328Ala) variant in PAH has been reported in 1 individual with PKU (BH4 deficiency excluded), detected with pathogenic variant p.L48S (PMID: 21147011). This variant has extremely low frequency in ExAC and gnomAD (MAF=0.00003). Computational evidence supports a deleterious effect. In summary, this variant meets criteria to be classified as likely pathogenic for PAH. PAH-specific ACMG/AMP criteria applied: PP4_Moderate, PM2, PM3_supporting, PP3.

Natera, Inc.
Classification: Likely pathogenic for Phenylketonuria. Last evaluated: 2025-12-26. Review status: criteria provided, single submitter. Criteria: Natera Variant Classification Schema (03/2026). Collection method: clinical testing. Allele origin: germline. Not counted in ClinVar's aggregate classification.
Comment: The c.982A>G variant in PAH is a missense variant predicted to cause substitution of threonine to alanine at amino acid 328. This variant is rare in the general population with a frequency below the threshold expected for the associated phenotype(s). This variant has been observed in one or more individuals affected with the associated recessive disease, as either homozygous or compound heterozygous with a second variant (PMID: 21147011). Computational prediction algorithms indicate this variant is likely to affect gene or protein function. Given the available evidence, this variant is classified as Likely Pathogenic.

Labcorp Genetics (formerly Invitae), Labcorp
Classification: Pathogenic for Phenylketonuria. Last evaluated: 2023-12-30. Review status: criteria provided, single submitter. Criteria: Invitae Variant Classification Sherloc (09022015). Collection method: clinical testing. Allele origin: germline. Not counted in ClinVar's aggregate classification.
Comment: This sequence change replaces threonine, which is neutral and polar, with alanine, which is neutral and non-polar, at codon 328 of the PAH protein (p.Thr328Ala). This variant is present in population databases (rs199475616, gnomAD 0.003%). This missense change has been observed in individual(s) with hyperphenylalaninemia and/or phenylketonuria (Invitae). In at least one individual the data is consistent with being in trans (on the opposite chromosome) from a pathogenic variant. ClinVar contains an entry for this variant (Variation ID: 102923). Advanced modeling of protein sequence and biophysical properties (such as structural, functional, and spatial information, amino acid conservation, physicochemical variation, residue mobility, and thermodynamic stability) performed at Invitae indicates that this missense variant is expected to disrupt PAH protein function with a positive predictive value of 80%. For these reasons, this variant has been classified as Pathogenic.

GeneDx
Classification: Likely pathogenic. Last evaluated: 2023-08-12. Review status: criteria provided, single submitter. Criteria: GeneDx Variant Classification Process June 2021. Collection method: clinical testing. Allele origin: germline. Affected: yes. Not counted in ClinVar's aggregate classification.
Comment: Different missense changes at this residue (T328P, T328N) have been reported in the published literature (Kuznetcova et al., 2019; Li et al., 2015); Not observed at significant frequency in large population cohorts (gnomAD); In silico analysis supports that this missense variant has a deleterious effect on protein structure/function; This variant is associated with the following publications: (PMID: 21147011, 35405047, 31332730, 26503515)

Women's Health and Genetics/Laboratory Corporation of America, LabCorp
Classification: Likely pathogenic for Phenylketonuria. Last evaluated: 2022-12-24. Review status: criteria provided, single submitter. Criteria: LabCorp Variant Classification Summary - May 2015. Collection method: clinical testing. Allele origin: germline. Not counted in ClinVar's aggregate classification.
Comment: Variant summary: PAH c.982A>G (p.Thr328Ala) results in a non-conservative amino acid change located in the Aromatic amino acid hydroxylase, C-terminal domain (IPR019774) of the encoded protein sequence. Five of five in-silico tools predict a damaging effect of the variant on protein function. The variant allele was found at a frequency of 1.2e-05 in 250852 control chromosomes (gnomAD). c.982A>G has been reported in the literature in at least one compound heterozygous individual affected with Classical Phenylalanine Hydroxylase Deficiency (Phenylketonuria, Dobrowolski_2011). The variant was also found occuring in cis in one individual with mild Phenylketonuria (Ozturk_2022). These data do not allow any conclusion about variant significance. Relative residual activity from the sum of p.Leu48Ser and p.Thr328Ala resulted in a PAH activity of 19.5% (Dobrowolski_2011). Two ClinVar submitters, including one expert panel (ClinGen PAH Variant Curation Expert Panel), have assessed the variant since 2014: one classified the variant as likely pathogenic (expert panel) and one as pathogenic. Based on the evidence outlined above, the variant was classified as likely pathogenic.

DeBelle Laboratory for Biochemical Genetics, MUHC/MCH RESEARCH INSTITUTE
No classification provided. Review status: no classification provided. Collection method: not provided. Allele origin: not provided. Not counted in ClinVar's aggregate classification.

Literature cited by the submitters: PubMed 21147011 (cited by 3 submitters); PubMed 35405047 (cited by Women's Health and Genetics/Laboratory Corporation of America, LabCorp).